The following is an entry in ClinVar:

ClinVar aggregate classification (germline): Likely pathogenic (1 of 4 stars; one submission).

Conditions:
Dilated cardiomyopathy 1G (CMD1G). Identifiers: Orphanet 154, MedGen C1858763, MONDO:0011400, OMIM 604145.

Submission:

Victorian Clinical Genetics Services, Murdoch Childrens Research Institute
Classification: Likely pathogenic for Dilated cardiomyopathy 1G. Last evaluated: 2025-02-12. Review status: criteria provided, single submitter. Criteria: ACMG Guidelines, 2015. Collection method: clinical testing. Allele origin: germline. Affected: yes.
Comment: This variant is classified as Likely pathogenic. Evidence in support of pathogenic classification: Variant is predicted to cause nonsense-mediated decay (NMD) and loss of protein (premature termination codon is located at least 54 nucleotides upstream of the final exon-exon junction); Variant is absent from gnomAD (v2, v3 and v4); Other NMD-predicted variants comparable to the one identified in this case have strong previous evidence for pathogenicity (ClinVar). Additional information: This variant is heterozygous; This gene is associated with both recessive and dominant disease (OMIM); This variant has no previous evidence of pathogenicity; No published segregation evidence has been identified for this variant; No published functional evidence has been identified for this variant; Variant is located in the annotated A-band and the exon has a PSI score of 100% (PMID: 25589632); Loss of function is a known mechanism of disease in this gene. In addition, dominant negative is also a suggested mechanism. (PMID: 25589632); The condition associated with this gene has incomplete penetrance. Variants in this gene that result in a premature termination codon (PTC) are known to have reduced penetrance in DCM (PMID: 25589632); Inheritance information for this variant is not currently available in this individual.

Literature cited by the submitters: PubMed 25589632.

NM_001267550.2(TTN):c.98350A>T (p.Lys32784Ter)

Genes: TTN-AS1 (TTN antisense RNA 1; plus strand), TTN (titin; minus strand). Cytogenetic location: 2q31.2.
Variant type: single nucleotide variant.
Coding change: c.98350A>T on transcript NM_001267550.2 (MANE Select); coding-DNA position 98350, A replaced by T.
Protein change: p.Lys32784Ter; replaces lysine 32784 with a stop codon.
Molecular consequence: nonsense. On other transcripts: non-coding transcript variant (1).
Genome position (GRCh38, 1-based): chr2:178,539,715, T>A on the plus strand (A>T on the coding strand, the complement: TTN is on the minus strand). VCF-style: chr2-178539715-T-A. GRCh37 (hg19) VCF-style: chr2-179404442-T-A.
Other names: c.93427A>T, p.Lys31143Ter (NM_001256850.1); c.71155A>T, p.Lys23719Ter (NM_003319.4); c.90646A>T, p.Lys30216Ter (NM_133378.4); c.71530A>T, p.Lys23844Ter (NM_133432.3); c.71731A>T, p.Lys23911Ter (NM_133437.4); short protein forms K23719*, K23844*, K23911*, K30216*, K31143*, K32784*.
Identifiers: ClinVar variation 4531786 (VCV004531786.1).